The following is an entry in ClinVar:

NM_003900.5(SQSTM1):c.771C>G (p.Ile257Met)

Gene: SQSTM1 (sequestosome 1; plus strand). Cytogenetic location: 5q35.3.
Variant type: single nucleotide variant.
Coding change: c.771C>G on transcript NM_003900.5 (MANE Select); coding-DNA position 771, C replaced by G.
Protein change: p.Ile257Met; replaces isoleucine 257 with methionine.
Molecular consequence: missense variant.
Genome position (GRCh38, 1-based): chr5:179,833,048, C>G. VCF-style: chr5-179833048-C-G. GRCh37 (hg19) VCF-style: chr5-179260048-C-G.
Other names: c.519C>G, p.Ile173Met (NM_001142298.2, NM_001142299.2); c.771C>G (NM_003900.4); short protein forms I173M, I257M.
Identifiers: ClinVar variation 1494010 (VCV001494010.9), dbSNP rs372827450, ClinGen allele CA133109140.
Genomic context (GRCh38, chr5:179,833,048, plus strand): 5'-CTTGGGGGAACTTCACGGCTTGCTCTTTCCTCCTCCGCCTCTAGGCATTGAAGTTGATAT[C>G]GATGTGGAGCACGGAGGGAAAAGAAGCCGCCTGACCCCCGTCTCTCCAGAGAGTTCCAGC-3'
Protein context (NP_003891.1, residues 247-267): ALSPLGIEVD[Ile257Met]DVEHGGKRSR

ClinVar aggregate classification (germline): Uncertain significance. Review status: criteria provided, single submitter (1 of 4 stars). 2 submissions from 2 submitters: Uncertain significance (1). 1 of the submissions does not count toward it. Last evaluated 2025-10-28.

Conditions:
Frontotemporal dementia and/or amyotrophic lateral sclerosis 1 (FTDALS1). Also called: C9orf72 Frontotemporal Dementia and/or Amyotrophic Lateral Sclerosis; Frontotemporal dementia with motor neuron disease 1. Identifiers: Orphanet 275872, MedGen C5779877, MONDO:0007105, OMIM 105550.
Paget disease of bone 2, early-onset (PDB2). Also called: Paget disease of bone 2. Identifiers: MedGen C4085251, MONDO:0011183, OMIM 602080.
SQSTM1-related disorder. Also called: SQSTM1-Related Disorders.

gnomAD v4.1: 6 of 1,614,042 alleles (0.00037%); highest among the groups gnomAD compares: Non-Finnish European, 0.00051%; no homozygotes.

Submissions (2):

Labcorp Genetics (formerly Invitae), Labcorp
Classification: Uncertain significance for Paget disease of bone 2, early-onset; Frontotemporal dementia and/or amyotrophic lateral sclerosis 1. Last evaluated: 2025-10-28. Review status: criteria provided, single submitter. Criteria: Invitae Variant Classification Sherloc (09022015). Collection method: clinical testing. Allele origin: germline.
Comment: This sequence change replaces isoleucine, which is neutral and non-polar, with methionine, which is neutral and non-polar, at codon 257 of the SQSTM1 protein (p.Ile257Met). This variant is present in population databases (no rsID available, gnomAD 0.0009%). This variant has not been reported in the literature in individuals affected with SQSTM1-related conditions. ClinVar contains an entry for this variant (Variation ID: 1494010). Invitae Evidence Modeling of protein sequence and biophysical properties (such as structural, functional, and spatial information, amino acid conservation, physicochemical variation, residue mobility, and thermodynamic stability) indicates that this missense variant is not expected to disrupt SQSTM1 protein function with a negative predictive value of 80%. In summary, the available evidence is currently insufficient to determine the role of this variant in disease. Therefore, it has been classified as a Variant of Uncertain Significance.

PreventionGenetics, part of Exact Sciences
Classification: Uncertain significance for SQSTM1-related condition. Last evaluated: 2024-01-18. Review status: no assertion criteria provided. Collection method: clinical testing. Allele origin: germline. Not counted in ClinVar's aggregate classification.
Comment: The SQSTM1 c.771C>G variant is predicted to result in the amino acid substitution p.Ile257Met. To our knowledge, this variant has not been reported in the literature. This variant is reported in 0.00088% of alleles in individuals of European (Non-Finnish) descent in gnomAD. At this time, the clinical significance of this variant is uncertain due to the absence of conclusive functional and genetic evidence.